The following is an entry in ClinVar:

NM_000548.5(TSC2):c.3285-5_3285-3del

Gene: TSC2 (TSC complex subunit 2; plus strand). Cytogenetic location: 16p13.3.
Variant type: Deletion.
Coding change: c.3285-5_3285-3del on transcript NM_000548.5 (MANE Select); 5 bases into the intron before coding-DNA position 3285 through 3 bases into the intron before coding-DNA position 3285, 3 bases deleted (CTC; older notation c.3285-5_3285-3delCTC).
Molecular consequence: intron variant.
Genome position (GRCh38, 1-based): chr16:2,079,552-2,079,554, CTC deleted. VCF-style (leftmost placement, unchanged base first): chr16-2079551-TCTC-T. GRCh37 (hg19) VCF-style: chr16-2129552-TCTC-T.
Other names: c.3285-5_3285-3del (NM_001114382.3); c.3156-5_3156-3del (NM_021055.3, NM_001370405.1, NM_001363528.2); c.3153-5_3153-3del (NM_001370404.1, NM_001077183.3); c.3045-5_3045-3del (NM_001318827.2); c.2553-5_2553-3del (NM_001318831.2); c.3009-5_3009-3del (NM_001318829.2); c.3186-5_3186-3del (NM_001318832.2).
Identifiers: ClinVar variation 1461723 (VCV001461723.8), dbSNP rs2151443997, ClinGen allele CA2573151666.

ClinVar aggregate classification (germline): Uncertain significance (1 of 4 stars; one submission).

Conditions:
Tuberous sclerosis 2 (TSC2). Identifiers: Orphanet 805, MedGen C1860707, MONDO:0013199, OMIM 613254.

Submission:

Labcorp Genetics (formerly Invitae), Labcorp
Classification: Uncertain significance for Tuberous sclerosis 2. Last evaluated: 2021-04-26. Review status: criteria provided, single submitter. Criteria: Invitae Variant Classification Sherloc (09022015). Collection method: clinical testing. Allele origin: germline.
Comment: In summary, the available evidence is currently insufficient to determine the role of this variant in disease. Therefore, it has been classified as a Variant of Uncertain Significance. Algorithms developed to predict the effect of sequence changes on RNA splicing suggest that this variant may disrupt the consensus splice site, but this prediction has not been confirmed by published transcriptional studies. This variant has not been reported in the literature in individuals with TSC2-related conditions. This variant is not present in population databases (ExAC no frequency). This sequence change falls in intron 28 of the TSC2 gene. It does not directly change the encoded amino acid sequence of the TSC2 protein, but it affects a nucleotide within the consensus splice site of the intron.